The following is an entry in ClinVar:

ClinVar aggregate classification (germline): Likely benign (1 of 4 stars; one submission).

Allele frequency attached by ClinVar (database versions not stated): ExAC 0.00001.
gnomAD v4.1: 13 of 1,613,896 alleles (0.00081%); highest among the groups gnomAD compares: Middle Eastern, 0.05%; no homozygotes.

Submission:

CeGaT Center for Human Genetics Tuebingen
Classification: Likely benign. Last evaluated: 2024-08-01. Review status: criteria provided, single submitter. Criteria: CeGaT Center For Human Genetics Tuebingen Variant Classification Criteria Version 2. Collection method: clinical testing. Allele origin: germline. Affected: yes. Observed: 2 variant alleles.
Comment: RERE: BP4, BP7

NM_001042681.2(RERE):c.2112C>T (p.Ile704=)

Gene: RERE (arginine-glutamic acid dipeptide repeats; minus strand). Cytogenetic location: 1p36.23.
Variant type: single nucleotide variant.
Coding change: c.2112C>T on transcript NM_001042681.2 (MANE Select); coding-DNA position 2112, C replaced by T.
Protein change: p.Ile704=; no amino-acid change (isoleucine 704 retained).
Molecular consequence: synonymous variant.
Genome position (GRCh38, 1-based): chr1:8,361,395, G>A on the plus strand (C>T on the coding strand, the complement: RERE is on the minus strand). VCF-style: chr1-8361395-G-A. GRCh37 (hg19) VCF-style: chr1-8421455-G-A.
Other names: c.450C>T, p.Ile150= (NM_001042682.2); c.2112C>T, p.Ile704= (NM_012102.4).
Identifiers: ClinVar variation 2638174 (VCV002638174.24), dbSNP rs752835526, ClinGen allele CA571444.